The following is an entry in ClinVar:

NM_147127.5(EVC2):c.80dup (p.Arg28fs)

Gene: EVC2 (EvC ciliary complex subunit 2; minus strand). Cytogenetic location: 4p16.2.
Variant type: Duplication.
Coding change: c.80dup on transcript NM_147127.5 (MANE Select); coding-DNA position 80, one base duplicated (G; older notation c.80dupG).
Protein change: p.Arg28fs; shifts the reading frame from arginine 28.
Molecular consequence: frameshift variant. On other transcripts: intron variant (1).
Genome position (GRCh38, 1-based): chr4:5,708,434, C duplicated on the plus strand (G on the coding strand, the reverse complement: EVC2 is on the minus strand); the first of 6 consecutive C bases (chr4:5,708,434-5,708,439); duplicating any one gives the same sequence. VCF-style (leftmost placement, unchanged base first): chr4-5708433-G-GC. GRCh37 (hg19) VCF-style: chr4-5710160-G-GC.
Other names: c.-13+395dup (NM_001166136.2); short protein forms R28fs.
Identifiers: ClinVar variation 2929610 (VCV002929610.3), dbSNP rs1383803030, ClinGen allele CA549402472.

ClinVar aggregate classification (germline): Pathogenic (1 of 4 stars; one submission).

Conditions:
Curry-Hall syndrome (WAD). Also called: WEYERS ACRODENTAL DYSOSTOSIS. Identifiers: Orphanet 952, MedGen C0457013, MONDO:0008673, OMIM 193530.
Ellis-van Creveld syndrome (EVC). Also called: EVC-Related Ellis-van Creveld Syndrome; EVC2-Related Ellis-van Creveld Syndrome; MESOECTODERMAL DYSPLASIA; Chondroectodermal dysplasia. Identifiers: Orphanet 289, MedGen C0013903, MONDO:0009162, OMIM 225500.

Submission:

Labcorp Genetics (formerly Invitae), Labcorp
Classification: Pathogenic for Curry-Hall syndrome; Ellis-van Creveld syndrome. Last evaluated: 2023-07-17. Review status: criteria provided, single submitter. Criteria: Invitae Variant Classification Sherloc (09022015). Collection method: clinical testing. Allele origin: germline.
Comment: For these reasons, this variant has been classified as Pathogenic. This variant has not been reported in the literature in individuals affected with EVC2-related conditions. The frequency data for this variant in the population databases is considered unreliable, as metrics indicate poor data quality at this position in the gnomAD database. This sequence change creates a premature translational stop signal (p.Arg28Profs*28) in the EVC2 gene. It is expected to result in an absent or disrupted protein product. Loss-of-function variants in EVC2 are known to be pathogenic (PMID: 17024374, 19810119, 19876929).

Literature cited by the submitters: PubMed 17024374; PubMed 19810119; PubMed 19876929.